The following is an entry in ClinVar:

ClinVar aggregate classification (germline): Uncertain significance. Review status: criteria provided, multiple submitters, no conflicts (2 of 4 stars). 2 submissions from 2 submitters: Uncertain significance (2). Last evaluated 2021-10-20.

Allele frequency attached by ClinVar (database versions not stated): ExAC 0.00001; gnomAD 0.00001; gnomAD exomes 0.00001; TOPMed 0.00001.
gnomAD v4.1: 10 of 1,613,882 alleles (0.00062%); highest among the groups gnomAD compares: African/African-American, 0.004%; no homozygotes.

Submissions (2):

Labcorp Genetics (formerly Invitae), Labcorp
Classification: Uncertain significance. Last evaluated: 2021-10-20. Review status: criteria provided, single submitter. Criteria: Invitae Variant Classification Sherloc (09022015). Collection method: clinical testing. Allele origin: germline.
Comment: In summary, the available evidence is currently insufficient to determine the role of this variant in disease. Therefore, it has been classified as a Variant of Uncertain Significance. Algorithms developed to predict the effect of missense changes on protein structure and function (SIFT, PolyPhen-2, Align-GVGD) all suggest that this variant is likely to be disruptive. ClinVar contains an entry for this variant (Variation ID: 493374). This variant has not been reported in the literature in individuals affected with CEP63-related conditions. This variant is present in population databases (rs772271443, gnomAD 0.003%). This sequence change replaces arginine, which is basic and polar, with cysteine, which is neutral and slightly polar, at codon 229 of the CEP63 protein (p.Arg229Cys).

CeGaT Center for Human Genetics Tuebingen
Classification: Uncertain significance. Last evaluated: 2017-11-01. Review status: criteria provided, single submitter. Criteria: CeGaT Center For Human Genetics Tuebingen Variant Classification Criteria Version 2. Collection method: clinical testing. Allele origin: germline. Affected: yes. Observed: 1 variant allele.

NM_001353108.3(CEP63):c.685C>T (p.Arg229Cys)

Gene: CEP63 (centrosomal protein 63; plus strand). Cytogenetic location: 3q22.2.
Variant type: single nucleotide variant.
Coding change: c.685C>T on transcript NM_001353108.3 (MANE Select); coding-DNA position 685, C replaced by T.
Protein change: p.Arg229Cys; replaces arginine 229 with cysteine.
Molecular consequence: missense variant. On other transcripts: non-coding transcript variant (4).
Genome position (GRCh38, 1-based): chr3:134,545,715, C>T. VCF-style: chr3-134545715-C-T. GRCh37 (hg19) VCF-style: chr3-134264557-C-T.
Other names: c.685C>T, p.Arg229Cys (NM_001042383.2, NM_001042384.2, NM_001042400.3 and 13 more transcripts); c.712C>T, p.Arg238Cys (NM_001353118.1); c.601C>T, p.Arg201Cys (NM_001353125.2); c.322C>T, p.Arg108Cys (NM_001353126.2); short protein forms R229C, R201C, R108C, R238C.
Identifiers: ClinVar variation 493374 (VCV000493374.48), dbSNP rs772271443, ClinGen allele CA2628452.